The following is an entry in ClinVar:

ClinVar aggregate classification (germline): Likely benign (0 of 4 stars; one submission).

Conditions:
KMT2D-related disorder. Also called: KMT2D-Related Disorders.

gnomAD v4.1: 2 of 1,609,766 alleles (0.00012%); highest among the groups gnomAD compares: East Asian, 0.0045%; no homozygotes.

Submission:

PreventionGenetics, part of Exact Sciences
Classification: Likely benign for KMT2D-related condition. Last evaluated: 2022-08-15. Review status: no assertion criteria provided. Collection method: clinical testing. Allele origin: germline.
Comment: This variant is classified as likely benign based on ACMG/AMP sequence variant interpretation guidelines (Richards et al. 2015 PMID: 25741868, with internal and published modifications).

NM_003482.4(KMT2D):c.6159A>T (p.Pro2053=)

Gene: KMT2D (lysine methyltransferase 2D; minus strand). Cytogenetic location: 12q13.12.
Variant type: single nucleotide variant.
Coding change: c.6159A>T on transcript NM_003482.4 (MANE Select); coding-DNA position 6159, A replaced by T.
Protein change: p.Pro2053=; no amino-acid change (proline 2053 retained).
Molecular consequence: synonymous variant.
Genome position (GRCh38, 1-based): chr12:49,041,941, T>A on the plus strand (A>T on the coding strand, the complement: KMT2D is on the minus strand). VCF-style: chr12-49041941-T-A. GRCh37 (hg19) VCF-style: chr12-49435724-T-A.
Identifiers: ClinVar variation 3047593 (VCV003047593.2), dbSNP rs2498406040, ClinGen allele CA479511530.